The following is an entry in ClinVar:

NM_001267550.2(TTN):c.58658G>A (p.Arg19553Gln)

Genes: TTN-AS1 (TTN antisense RNA 1; plus strand), TTN (titin; minus strand). Cytogenetic location: 2q31.2.
Variant type: single nucleotide variant.
Coding change: c.58658G>A on transcript NM_001267550.2 (MANE Select); coding-DNA position 58658, G replaced by A.
Protein change: p.Arg19553Gln; replaces arginine 19553 with glutamine.
Molecular consequence: missense variant.
Genome position (GRCh38, 1-based): chr2:178,593,642, C>T on the plus strand (G>A on the coding strand, the complement: TTN is on the minus strand). VCF-style: chr2-178593642-C-T. GRCh37 (hg19) VCF-style: chr2-179458369-C-T.
Other names: c.53735G>A, p.Arg17912Gln (NM_001256850.1); c.31463G>A, p.Arg10488Gln (NM_003319.4); c.50954G>A, p.Arg16985Gln (NM_133378.4); c.31838G>A, p.Arg10613Gln (NM_133432.3); c.32039G>A, p.Arg10680Gln (NM_133437.4); short protein forms R19553Q, R10613Q, R16985Q, R17912Q, R10488Q, R10680Q.
Identifiers: ClinVar variation 574793 (VCV000574793.29), dbSNP rs543279513, ClinGen allele CA1992813.

ClinVar aggregate classification (germline): Uncertain significance. Review status: criteria provided, multiple submitters, no conflicts (2 of 4 stars). 3 submissions from 3 submitters: Uncertain significance (3). Last evaluated 2023-09-01.

Conditions:
Dilated cardiomyopathy 1G (CMD1G). Identifiers: Orphanet 154, MedGen C1858763, MONDO:0011400, OMIM 604145.
Autosomal recessive limb-girdle muscular dystrophy type 2J (LGMDR10). Also called: Limb-girdle muscular dystrophy, type 2J; MUSCULAR DYSTROPHY, LIMB-GIRDLE, AUTOSOMAL RECESSIVE 10. Identifiers: Orphanet 140922, MedGen C1837342, MONDO:0012127, OMIM 608807.
Cardiovascular phenotype. Identifiers: MedGen CN230736.

Allele frequency attached by ClinVar (database versions not stated): gnomAD 0.00001 and 0.00002; gnomAD exomes 0.00001; TOPMed 0.00001; ExAC 0.00002; 1000 Genomes Project 0.00040; 1000 Genomes Project 30x 0.00062.
gnomAD v4.1: 12 of 1,612,986 alleles (0.00074%); highest among the groups gnomAD compares: African/African-American, 0.0053%; no homozygotes.

Submissions (3):

CeGaT Center for Human Genetics Tuebingen
Classification: Uncertain significance. Last evaluated: 2023-09-01. Review status: criteria provided, single submitter. Criteria: CeGaT Center For Human Genetics Tuebingen Variant Classification Criteria Version 2. Collection method: clinical testing. Allele origin: germline. Affected: yes. Observed: 1 variant allele.
Comment: TTN: PM2, BP1, BP4

Ambry Genetics
Classification: Uncertain significance for Cardiovascular phenotype. Last evaluated: 2020-07-24. Review status: criteria provided, single submitter. Criteria: Ambry Variant Classification Scheme 2023. Collection method: clinical testing. Allele origin: germline.
Comment: The p.R10488Q variant (also known as c.31463G>A), located in coding exon 125 of the TTN gene, results from a G to A substitution at nucleotide position 31463. The arginine at codon 10488 is replaced by glutamine, an amino acid with highly similar properties. This amino acid position is highly conserved in available vertebrate species. In addition, the in silico prediction for this alteration is inconclusive. Since supporting evidence is limited at this time, the clinical significance of this alteration remains unclear.

Labcorp Genetics (formerly Invitae), Labcorp
Classification: Uncertain significance for Dilated cardiomyopathy 1G; Autosomal recessive limb-girdle muscular dystrophy type 2J. Last evaluated: 2018-02-21. Review status: criteria provided, single submitter. Criteria: Invitae Variant Classification Sherloc (09022015). Collection method: clinical testing. Allele origin: germline.
Comment: This sequence change replaces arginine with glutamine at codon 19553 of the TTN protein (p.Arg19553Gln). There is a small physicochemical difference between arginine and glutamine. This variant is present in population databases (rs543279513, ExAC 0.02%). This variant has not been reported in the literature in individuals with TTN-related disease. Algorithms developed to predict the effect of missense changes on protein structure and function are unavailable for the TTN gene. The glutamine amino acid residue is found in multiple mammalian species, suggesting that this missense change does not adversely affect protein function. These predictions have not been confirmed by published functional studies and their clinical significance is uncertain. Algorithms developed to predict the effect of sequence changes on RNA splicing suggest that this variant may create or strengthen a splice site, but this prediction has not been confirmed by published transcriptional studies. This variant identified in the TTN gene is located in the A band of the resulting protein (PMID: 25589632). It is unclear how this variant impacts the function of this protein. In summary, the available evidence is currently insufficient to determine the role of this variant in disease. Therefore, it has been classified as a Variant of Uncertain Significance.

Literature cited by the submitters: PubMed 25589632 (cited by Labcorp Genetics (formerly Invitae), Labcorp).